The following is an entry in ClinVar:

NM_000435.3(NOTCH3):c.484T>A (p.Cys162Ser)

Gene: NOTCH3 (notch receptor 3; minus strand). Cytogenetic location: 19p13.12.
Variant type: single nucleotide variant.
Coding change: c.484T>A on transcript NM_000435.3 (MANE Select); coding-DNA position 484, T replaced by A.
Protein change: p.Cys162Ser; replaces cysteine 162 with serine.
Molecular consequence: missense variant.
Genome position (GRCh38, 1-based): chr19:15,192,155, A>T on the plus strand (T>A on the coding strand, the complement: NOTCH3 is on the minus strand). VCF-style: chr19-15192155-A-T. GRCh37 (hg19) VCF-style: chr19-15302966-A-T.
Other names: short protein forms C162S.
Identifiers: ClinVar variation 3344835 (VCV003344835.2).

ClinVar aggregate classification (germline): Likely pathogenic. Review status: criteria provided, single submitter (1 of 4 stars). 2 submissions from 2 submitters: Likely pathogenic (1). 1 of the submissions does not count toward it. Last evaluated 2024-08-14.

Conditions:
NOTCH3-related disorder. Also called: NOTCH3-related condition; NOTCH3-related disorders.

Submissions (2):

ARUP Laboratories, Molecular Genetics and Genomics, ARUP Laboratories
Classification: Likely pathogenic. Last evaluated: 2024-08-14. Review status: criteria provided, single submitter. Criteria: ARUP Molecular Germline Variant Investigation Process 2024. Collection method: clinical testing. Allele origin: germline.
Comment: The NOTCH3 c.484T>A; p.Cys162Ser variant (rs2145441998) is reported in the literature in an individual with a diagnosis or suspicion of CADASIL (Escary 2000). This variant is also absent from the Genome Aggregation Database (v2.1.1), indicating it is not a common polymorphism. Computational analyses predict that this variant is deleterious (REVEL: 0.977). Most pathogenic NOTCH3 variants occur in exons 2-24 and either create or destroy a cysteine residue within an EGF-like domain (Rutten 2014), and thus the p.Cys162Ser variant is consistent with the predominant mechanism of disease in NOTCH3. Additionally, other amino acid substitutions at this codon (p.Cys162Arg, p.Cys162Trp, p.Cys162Tyr) have been reported in individuals with CADASIL and are considered disease-causing (Andreadou 2008, Lesnik Oberstein 2001, Matushima 2017). Based on available information, the p.Cys162Ser variant is considered to be likely pathogenic. References: Andreadou E et al. A novel heterozygous mutation in the NOTCH3 gene causing CADASIL. Swiss Med Wkly. 2008 Oct 18;138(41-42):614-7. PMID: 18941948. Escary JL et al. Evaluation of DHPLC analysis in mutational scanning of Notch3, a gene with a high G-C content. Hum Mutat. 2000 Dec;16(6):518-26. PMID: 11102981. Lesnik Oberstein SA et al. Cerebral microbleeds in CADASIL. Neurology. 2001 Sep 25;57(6):1066-70. PMID: 11571335. Matsushima T et al. Genotype-phenotype correlations of cysteine replacement in CADASIL. Neurobiol Aging. 2017 Feb;50:169.e7-169.e14. PMID: 27890607. Rutten JW et al. Interpretation of NOTCH3 mutations in the diagnosis of CADASIL. Expert Rev Mol Diagn. 2014 Jun;14(5):593-603. PMID: 24844136.

PreventionGenetics, part of Exact Sciences
Classification: Pathogenic for NOTCH3-related condition. Last evaluated: 2024-06-06. Review status: no assertion criteria provided. Collection method: clinical testing. Allele origin: germline. Not counted in ClinVar's aggregate classification.
Comment: The NOTCH3 c.484T>A variant is predicted to result in the amino acid substitution p.Cys162Ser. This variant was reported in an individual with CADASIL, and at least three other missense alterations at the same amino acid position have been reported in affected individuals (Escary et al. 2000. PubMed ID: 11102981; Juhosová et al. 2022. PubMed ID: 36401683; Matsushima et al. 2017. PubMed ID: 27890607; Oberstein et al. 2003. PubMed ID: 14710716). Most CADASIL causing variants in the NOTCH3 gene result in the gain or loss of one or more cysteine residues in the extracellular domain of the protein, as seen in this patient. This patient’s variant alters a cysteine residue and is located in the extracellular EGF-like domain 4. Pathogenic variants in EGF-like domains 1-6 appear to be fully penetrant and are usually associated with the classical CADASIL phenotype. However, there is variability in disease severity (OMIM #125310; Rutten et al. 2016. PubMed ID: 27844030; Rutten et al. 2019. PubMed ID: 30032161).This variant has not been reported in a large population database, indicating this variant is rare. This variant is interpreted as pathogenic.